The following is an entry in ClinVar:

ClinVar aggregate classification (germline): Uncertain significance. Review status: criteria provided, multiple submitters, no conflicts (2 of 4 stars). 2 submissions from 2 submitters: Uncertain significance (2). Last evaluated 2026-04-08.

Conditions:
SIM1-related disorder. Also called: SIM1-related disorders; SIM1-related condition.

gnomAD v4.1: 16 of 1,543,090 alleles (0.001%); highest among the groups gnomAD compares: Admixed American, 0.031%; no homozygotes.

Submissions (2):

PreventionGenetics, part of Exact Sciences
Classification: Uncertain significance for SIM1-related condition. Last evaluated: 2026-04-08. Review status: criteria provided, single submitter. Criteria: ACMG Guidelines, 2015. Collection method: clinical testing. Allele origin: germline.
Comment: The SIM1 c.1556T>C variant is predicted to result in the amino acid substitution p.Val519Ala. To our knowledge, this variant has not been reported in the literature. This variant is reported in 0.047% of alleles in individuals of Latino descent in gnomAD. At this time, the clinical significance of this variant is uncertain due to the absence of conclusive functional and genetic evidence.

Labcorp Genetics (formerly Invitae), Labcorp
Classification: Uncertain significance. Last evaluated: 2024-05-25. Review status: criteria provided, single submitter. Criteria: Invitae Variant Classification Sherloc (09022015). Collection method: clinical testing. Allele origin: germline.
Comment: This sequence change replaces valine, which is neutral and non-polar, with alanine, which is neutral and non-polar, at codon 519 of the SIM1 protein (p.Val519Ala). This variant is present in population databases (rs778378914, gnomAD 0.05%), and has an allele count higher than expected for a pathogenic variant. This variant has not been reported in the literature in individuals affected with SIM1-related conditions. Algorithms developed to predict the effect of missense changes on protein structure and function output the following: SIFT: "Not Available"; PolyPhen-2: "Benign"; Align-GVGD: "Not Available". The alanine amino acid residue is found in multiple mammalian species, which suggests that this missense change does not adversely affect protein function. In summary, the available evidence is currently insufficient to determine the role of this variant in disease. Therefore, it has been classified as a Variant of Uncertain Significance.

NM_005068.3(SIM1):c.1556T>C (p.Val519Ala)

Genes: SIM1 (SIM bHLH transcription factor 1; minus strand), SIM1-AS1 (SIM1 antisense RNA 1; plus strand). Cytogenetic location: 6q16.3.
Variant type: single nucleotide variant.
Coding change: c.1556T>C on transcript NM_005068.3 (MANE Select); coding-DNA position 1556, T replaced by C.
Protein change: p.Val519Ala; replaces valine 519 with alanine.
Molecular consequence: missense variant. On other transcripts: non-coding transcript variant (1).
Genome position (GRCh38, 1-based): chr6:100,393,501, A>G on the plus strand (T>C on the coding strand, the complement: SIM1 is on the minus strand). VCF-style: chr6-100393501-A-G. GRCh37 (hg19) VCF-style: chr6-100841377-A-G.
Other names: c.1556T>C, p.Val519Ala (NM_001374769.1); short protein forms V519A.
Identifiers: ClinVar variation 3357318 (VCV003357318.4).